The following is an entry in ClinVar:

ClinVar aggregate classification (germline): Likely benign (1 of 4 stars; one submission).

gnomAD v4.1: 11 of 1,551,710 alleles (0.00071%); highest among the groups gnomAD compares: South Asian, 0.013%; no homozygotes.

Submission:

CeGaT Center for Human Genetics Tuebingen
Classification: Likely benign. Last evaluated: 2026-06-01. Review status: criteria provided, single submitter. Criteria: CeGaT Center For Human Genetics Tuebingen Variant Classification Criteria Version 2. Collection method: clinical testing. Allele origin: germline. Affected: yes. Observed: 1 variant allele.
Comment: SHANK2: BP4, BP7

NM_012309.5(SHANK2):c.633G>T (p.Val211=)

Gene: SHANK2 (SH3 and multiple ankyrin repeat domains 2; minus strand). Cytogenetic location: 11q13.4.
Variant type: single nucleotide variant.
Coding change: c.633G>T on transcript NM_012309.5 (MANE Select); coding-DNA position 633, G replaced by T.
Protein change: p.Val211=; no amino-acid change (valine 211 retained).
Molecular consequence: synonymous variant.
Genome position (GRCh38, 1-based): chr11:71,094,648, C>A on the plus strand (G>T on the coding strand, the complement: SHANK2 is on the minus strand). VCF-style: chr11-71094648-C-A. GRCh37 (hg19) VCF-style: chr11-70805694-C-A.
Other names: c.633G>T, p.Val211= (NM_001441039.1, NM_001441029.1, NM_001441030.1 and 12 more transcripts); c.561G>T, p.Val187= (NM_001441038.1).
Identifiers: ClinVar variation 4872970 (VCV004872970.2).